The following is an entry in ClinVar:

ClinVar aggregate classification (germline): Likely benign (0 of 4 stars; one submission).

Conditions:
TLE6-related disorder. Also called: TLE6-related condition.

Allele frequency attached by ClinVar (database versions not stated): 1000 Genomes Project 30x 0.00016; 1000 Genomes Project 0.00020; ExAC 0.00071; gnomAD 0.00074; TOPMed 0.00093; ESP Exome Variant Server 0.00100.

Submission:

PreventionGenetics, part of Exact Sciences
Classification: Likely benign for TLE6-related condition. Last evaluated: 2019-03-29. Review status: no assertion criteria provided. Collection method: clinical testing. Allele origin: germline.
Comment: This variant is classified as likely benign based on ACMG/AMP sequence variant interpretation guidelines (Richards et al. 2015 PMID: 25741868, with internal and published modifications).

NM_001143986.2(TLE6):c.993+8C>T

Gene: TLE6 (TLE family member 6, subcortical maternal complex member; plus strand). Cytogenetic location: 19p13.3.
Variant type: single nucleotide variant.
Coding change: c.993+8C>T on transcript NM_001143986.2 (MANE Select); 8 bases into the intron after coding-DNA position 993, C replaced by T.
Molecular consequence: intron variant.
Genome position (GRCh38, 1-based): chr19:2,989,321, C>T. VCF-style: chr19-2989321-C-T. GRCh37 (hg19) VCF-style: chr19-2989319-C-T.
Other names: c.624+8C>T (NM_024760.3).
Identifiers: ClinVar variation 3042946 (VCV003042946.2), dbSNP rs147356271, ClinGen allele CA9072888.